The following is an entry in ClinVar:

NM_003072.5(SMARCA4):c.210C>A (p.His70Gln)

Gene: SMARCA4 (SWI/SNF related BAF chromatin remodeling complex subunit ATPase 4; plus strand). Cytogenetic location: 19p13.2.
Variant type: single nucleotide variant.
Coding change: c.210C>A on transcript NM_003072.5 (MANE Select); coding-DNA position 210, C replaced by A.
Protein change: p.His70Gln; replaces histidine 70 with glutamine.
Molecular consequence: missense variant. On other transcripts: non-coding transcript variant (1).
Genome position (GRCh38, 1-based): chr19:10,984,361, C>A. VCF-style: chr19-10984361-C-A. GRCh37 (hg19) VCF-style: chr19-11095037-C-A.
Other names: c.210C>A, p.His70Gln (NM_001128844.3, NM_001128845.2, NM_001128846.2 and 5 more transcripts); short protein forms H70Q.
Identifiers: ClinVar variation 1364786 (VCV001364786.8), dbSNP rs1599930337, ClinGen allele CA404054683.

ClinVar aggregate classification (germline): Uncertain significance (1 of 4 stars; one submission).

Conditions:
Rhabdoid tumor predisposition syndrome 2 (RTPS2). Identifiers: Orphanet 231108, Orphanet 69077, MedGen C2750074, MONDO:0013224, OMIM 613325.

Allele frequency attached by ClinVar (database versions not stated): gnomAD exomes below 0.00001.

Submission:

Labcorp Genetics (formerly Invitae), Labcorp
Classification: Uncertain significance for Rhabdoid tumor predisposition syndrome 2. Last evaluated: 2022-06-20. Review status: criteria provided, single submitter. Criteria: Invitae Variant Classification Sherloc (09022015). Collection method: clinical testing. Allele origin: germline.
Comment: In summary, the available evidence is currently insufficient to determine the role of this variant in disease. Therefore, it has been classified as a Variant of Uncertain Significance. Algorithms developed to predict the effect of missense changes on protein structure and function are either unavailable or do not agree on the potential impact of this missense change (SIFT: "Deleterious"; PolyPhen-2: "Possibly Damaging"; Align-GVGD: "Class C15"). This variant has not been reported in the literature in individuals affected with SMARCA4-related conditions. This variant is not present in population databases (gnomAD no frequency). This sequence change replaces histidine, which is basic and polar, with glutamine, which is neutral and polar, at codon 70 of the SMARCA4 protein (p.His70Gln).